The following is an entry in ClinVar:

NM_021813.4(BACH2):c.1980C>T (p.Ala660=)

Gene: BACH2 (BACH transcriptional regulator 2; minus strand). Cytogenetic location: 6q15.
Variant type: single nucleotide variant.
Coding change: c.1980C>T on transcript NM_021813.4 (MANE Select); coding-DNA position 1980, C replaced by T.
Protein change: p.Ala660=; no amino-acid change (alanine 660 retained).
Molecular consequence: synonymous variant.
Genome position (GRCh38, 1-based): chr6:89,938,207, G>A on the plus strand (C>T on the coding strand, the complement: BACH2 is on the minus strand). VCF-style: chr6-89938207-G-A. GRCh37 (hg19) VCF-style: chr6-90647926-G-A.
Other names: c.1980C>T, p.Ala660= (NM_001170794.2).
Identifiers: ClinVar variation 2656771 (VCV002656771.24), dbSNP rs371695425, ClinGen allele CA3927888.

ClinVar aggregate classification (germline): Likely benign (1 of 4 stars; one submission).

Allele frequency attached by ClinVar (database versions not stated): gnomAD exomes below 0.00001; ExAC 0.00001; ESP Exome Variant Server 0.00008.
gnomAD v4.1: 1 of 1,614,210 alleles (0.000062%); highest among the groups gnomAD compares: Non-Finnish European, 0.000085%; no homozygotes.

Submission:

CeGaT Center for Human Genetics Tuebingen
Classification: Likely benign. Last evaluated: 2022-04-01. Review status: criteria provided, single submitter. Criteria: CeGaT Center For Human Genetics Tuebingen Variant Classification Criteria Version 2. Collection method: clinical testing. Allele origin: germline. Affected: yes. Observed: 1 variant allele.
Comment: BACH2: PM2:Supporting, BP4, BP7